The following is an entry in ClinVar:

ClinVar aggregate classification (germline): Uncertain significance (1 of 4 stars; one submission).

Submission:

Labcorp Genetics (formerly Invitae), Labcorp
Classification: Uncertain significance. Last evaluated: 2025-05-16. Review status: criteria provided, single submitter. Criteria: Invitae Variant Classification Sherloc (09022015). Collection method: clinical testing. Allele origin: germline.
Comment: This sequence change creates a premature translational stop signal (p.Asp64Glyfs*34) in the CARD8 gene. It is expected to result in an absent or disrupted protein product. However, the current clinical and genetic evidence is not sufficient to establish whether loss-of-function variants in CARD8 cause disease. The frequency data for this variant in the population databases is considered unreliable, as metrics indicate poor data quality at this position in the gnomAD database. This variant has not been reported in the literature in individuals affected with CARD8-related conditions. ClinVar contains an entry for this variant (Variation ID: 2883584). In summary, the available evidence is currently insufficient to determine the role of this variant in disease. Therefore, it has been classified as a Variant of Uncertain Significance.

NM_001184900.3(CARD8):c.340dup (p.Asp114fs)

Gene: CARD8 (caspase recruitment domain family member 8; minus strand). Cytogenetic location: 19q13.33.
Variant type: Duplication.
Coding change: c.340dup on transcript NM_001184900.3 (MANE Select); coding-DNA position 340, one base duplicated (G; older notation c.340dupG).
Protein change: p.Asp114fs; shifts the reading frame from aspartic acid 114.
Molecular consequence: frameshift variant. On other transcripts: 5 prime UTR variant (1), non-coding transcript variant (4).
Genome position (GRCh38, 1-based): chr19:48,234,413, C duplicated on the plus strand (G on the coding strand, the reverse complement: CARD8 is on the minus strand); the first of 7 consecutive C bases (chr19:48,234,413-48,234,419); duplicating any one gives the same sequence. VCF-style (leftmost placement, unchanged base first): chr19-48234412-T-TC. GRCh37 (hg19) VCF-style: chr19-48737669-T-TC.
Other names: c.190dup, p.Asp64fs (NM_001184901.1, NM_001351783.2, NM_001351788.2 and 2 more transcripts); c.340dup, p.Asp114fs (NM_001184902.2, NM_001184903.1, NM_001351782.2); c.66dup, p.Thr23fs (NM_001351784.2, NM_001351787.2, NM_001351791.2 and 2 more transcripts); c.-149dup (NM_001351786.2); c.138dup, p.Thr47fs (NM_001351790.2); c.-448dup (NM_001426741.1); short protein forms T47fs, D64fs, T23fs, D114fs.
Identifiers: ClinVar variation 2883584 (VCV002883584.3), dbSNP rs770149864, ClinGen allele CA9548090.